The following is an entry in ClinVar:

ClinVar aggregate classification (germline): Uncertain significance (1 of 4 stars; one submission).

Conditions:
Early-infantile DEE. Also called: Early infantile epileptic encephalopathy; Early infantile epileptic encephalopathy with suppression bursts; Ohtahara syndrome. Identifiers: Orphanet 1934, MedGen C0393706, MONDO:0800491.

Submission:

Labcorp Genetics (formerly Invitae), Labcorp
Classification: Uncertain significance for Early-infantile DEE. Last evaluated: 2024-05-15. Review status: criteria provided, single submitter. Criteria: Invitae Variant Classification Sherloc (09022015). Collection method: clinical testing. Allele origin: germline.
Comment: This sequence change falls in intron 20 of the SCN1A gene. It does not directly change the encoded amino acid sequence of the SCN1A protein. However, this sequence change falls within a region encompassing a cryptic exon in the SCN1A gene, in which variants have been shown to alter splicing (PMID: 30526861, 34107977). This variant is not present in population databases (gnomAD no frequency). This variant has not been reported in the literature in individuals affected with SCN1A-related conditions. Algorithms developed to predict the effect of sequence changes on RNA splicing suggest that this variant is not likely to affect RNA splicing. In summary, the available evidence is currently insufficient to determine the role of this variant in disease. Therefore, it has been classified as a Variant of Uncertain Significance.

Literature cited by the submitters: PubMed 30526861; PubMed 34107977.

NM_001165963.4(SCN1A):c.4002+2042A>G

Genes: SCN1A (sodium voltage-gated channel alpha subunit 1; minus strand), LOC102724058 (uncharacterized LOC102724058; plus strand). Cytogenetic location: 2q24.3.
Variant type: single nucleotide variant.
Coding change: c.4002+2042A>G on transcript NM_001165963.4 (MANE Select); 2042 bases into the intron after coding-DNA position 4002, A replaced by G.
Molecular consequence: intron variant.
Genome position (GRCh38, 1-based): chr2:166,007,677, T>C on the plus strand (A>G on the coding strand, the complement: SCN1A is on the minus strand). VCF-style: chr2-166007677-T-C. GRCh37 (hg19) VCF-style: chr2-166864187-T-C.
Other names: c.3969+2042A>G (NM_001353949.2, NM_001353950.2, NM_001353951.2 and 2 more transcripts); c.3918+2042A>G (NM_001353958.2, NM_001353957.2, NM_001165964.3); c.4002+2042A>G (NM_001202435.3, NM_001353948.2); c.3966+2042A>G (NM_001353955.2, NM_001353954.2); c.3915+2042A>G (NM_001353960.2); c.1560+2042A>G (NM_001353961.2).
Identifiers: ClinVar variation 2839597 (VCV002839597.3), dbSNP rs1574029748, ClinGen allele CA1304846407.